The following is an entry in ClinVar:

NM_000368.5(TSC1):c.914-16T>C

Gene: TSC1 (TSC complex subunit 1; minus strand). Cytogenetic location: 9q34.13.
Variant type: single nucleotide variant.
Coding change: c.914-16T>C on transcript NM_000368.5 (MANE Select); 16 bases into the intron before coding-DNA position 914, T replaced by C.
Molecular consequence: intron variant.
Genome position (GRCh38, 1-based): chr9:132,911,584, A>G on the plus strand (T>C on the coding strand, the complement: TSC1 is on the minus strand). VCF-style: chr9-132911584-A-G. GRCh37 (hg19) VCF-style: chr9-135786971-A-G.
Other names: c.551-16T>C (NM_001362177.2); c.761-16T>C (NM_001162427.2); c.914-16T>C (NM_001162426.2).
Identifiers: ClinVar variation 1953027 (VCV001953027.6), dbSNP rs756201465, ClinGen allele CA039541.

ClinVar aggregate classification (germline): Likely benign. Review status: criteria provided, multiple submitters, no conflicts (2 of 4 stars). 2 submissions from 2 submitters: Likely benign (2). Last evaluated 2025-08-07.

Conditions:
Tuberous sclerosis 1 (TSC1). Identifiers: Orphanet 805, MedGen C1854465, MONDO:0008612, OMIM 191100.

Allele frequency attached by ClinVar (database versions not stated): gnomAD exomes below 0.00001; ExAC 0.00001.
gnomAD v4.1: 1 of 1,338,712 alleles (0.000075%); highest among the groups gnomAD compares: Admixed American, 0.0017%; no homozygotes.

Submissions (2):

Labcorp Genetics (formerly Invitae), Labcorp
Classification: Likely benign for Tuberous sclerosis 1. Last evaluated: 2025-08-07. Review status: criteria provided, single submitter. Criteria: Invitae Variant Classification Sherloc (09022015). Collection method: clinical testing. Allele origin: germline.

Myriad Genetics, Inc.
Classification: Likely benign for Tuberous sclerosis 1. Last evaluated: 2025-04-09. Review status: criteria provided, single submitter. Criteria: Myriad Autosomal Dominant, Autosomal Recessive and X-Linked Classification Criteria (2023). Collection method: clinical testing. Allele origin: unknown.
Comment: This variant is considered likely benign. This variant is intronic and is not expected to impact mRNA splicing.